The following is an entry in ClinVar:

NM_001014447.3(CPZ):c.1364-40_1364-6del

Gene: CPZ (carboxypeptidase Z; plus strand). Cytogenetic location: 4p16.1.
Variant type: Deletion.
Coding change: c.1364-40_1364-6del on transcript NM_001014447.3 (MANE Select); 40 bases into the intron before coding-DNA position 1364 through 6 bases into the intron before coding-DNA position 1364, 35 bases deleted.
Molecular consequence: intron variant.
Genome position (GRCh38, 1-based): chr4:8,614,319-8,614,353, 35 bases deleted; deleting any 35 consecutive bases within chr4:8,614,306-8,614,353 gives the same sequence; the c. name uses the placement nearest the transcript's 3' end. GRCh37 (hg19): chr4:8,616,046-8,616,080.
Other names: c.953-40_953-6del (NM_001014448.3); c.1331-40_1331-6del (NM_003652.4).
Identifiers: ClinVar variation 3033884 (VCV003033884.2), dbSNP rs1263548222, ClinGen allele CA438473215.

ClinVar aggregate classification (germline): Benign (0 of 4 stars; one submission).

Conditions:
CPZ-related disorder. Also called: CPZ-related condition.

Submission:

PreventionGenetics, part of Exact Sciences
Classification: Benign for CPZ-related condition. Last evaluated: 2019-11-27. Review status: no assertion criteria provided. Collection method: clinical testing. Allele origin: germline.
Comment: This variant is classified as benign based on ACMG/AMP sequence variant interpretation guidelines (Richards et al. 2015 PMID: 25741868, with internal and published modifications).